The following is an entry in ClinVar:

NM_182914.3(SYNE2):c.16700C>T (p.Thr5567Met)

Gene: SYNE2 (spectrin repeat containing nuclear envelope protein 2; plus strand). Cytogenetic location: 14q23.2.
Variant type: single nucleotide variant.
Coding change: c.16700C>T on transcript NM_182914.3 (MANE Select); coding-DNA position 16700, C replaced by T.
Protein change: p.Thr5567Met; replaces threonine 5567 with methionine.
Molecular consequence: missense variant.
Genome position (GRCh38, 1-based): chr14:64,167,327, C>T. VCF-style: chr14-64167327-C-T. GRCh37 (hg19) VCF-style: chr14-64634045-C-T.
Other names: c.16700C>T, p.Thr5567Met (NM_015180.6); short protein forms T5567M.
Identifiers: ClinVar variation 649323 (VCV000649323.14), dbSNP rs527368157, ClinGen allele CA7223458.

ClinVar aggregate classification (germline): Uncertain significance. Review status: criteria provided, multiple submitters, no conflicts (2 of 4 stars). 4 submissions from 4 submitters: Uncertain significance (4). Last evaluated 2025-02-16.

Conditions:
Emery-Dreifuss muscular dystrophy 5, autosomal dominant (EDMD5). Also called: EMERY-DREIFUSS MUSCULAR DYSTROPHY 5. Identifiers: Orphanet 261, MedGen C2751805, MONDO:0013072, OMIM 612999.

Allele frequency attached by ClinVar (database versions not stated): ExAC 0.00002; gnomAD exomes 0.00003; TOPMed 0.00005; gnomAD 0.00009; 1000 Genomes Project 30x 0.00016; 1000 Genomes Project 0.00020.
gnomAD v4.1: 54 of 1,614,220 alleles (0.0033%); highest among the groups gnomAD compares: African/African-American, 0.016%; no homozygotes.

Submissions (4):

Labcorp Genetics (formerly Invitae), Labcorp
Classification: Uncertain significance for Emery-Dreifuss muscular dystrophy 5, autosomal dominant. Last evaluated: 2025-02-16. Review status: criteria provided, single submitter. Criteria: Invitae Variant Classification Sherloc (09022015). Collection method: clinical testing. Allele origin: germline.
Comment: This sequence change replaces threonine, which is neutral and polar, with methionine, which is neutral and non-polar, at codon 5567 of the SYNE2 protein (p.Thr5567Met). This variant is present in population databases (rs527368157, gnomAD 0.02%). This variant has not been reported in the literature in individuals affected with SYNE2-related conditions. ClinVar contains an entry for this variant (Variation ID: 649323). An algorithm developed to predict the effect of missense changes on protein structure and function (PolyPhen-2) suggests that this variant is likely to be disruptive. In summary, the available evidence is currently insufficient to determine the role of this variant in disease. Therefore, it has been classified as a Variant of Uncertain Significance.

Revvity Omics, Revvity
Classification: Uncertain significance for Emery-Dreifuss muscular dystrophy 5, autosomal dominant. Last evaluated: 2024-04-30. Review status: criteria provided, single submitter. Criteria: ACMG Guidelines, 2015. Collection method: clinical testing. Allele origin: germline.

Ambry Genetics
Classification: Uncertain significance. Last evaluated: 2023-12-17. Review status: criteria provided, single submitter. Criteria: Ambry Variant Classification Scheme 2023. Collection method: clinical testing. Allele origin: germline.

Illumina Laboratory Services, Illumina
Classification: Uncertain significance for Emery-Dreifuss muscular dystrophy 5, autosomal dominant. Last evaluated: 2018-01-13. Review status: criteria provided, single submitter. Criteria: ICSL Variant Classification Criteria 13 December 2019. Collection method: clinical testing. Allele origin: germline.